The following is an entry in ClinVar:

NM_152703.5(SAMD9L):c.1136A>T (p.Glu379Val)

Gene: SAMD9L (sterile alpha motif domain containing 9 like; minus strand). Cytogenetic location: 7q21.2.
Variant type: single nucleotide variant.
Coding change: c.1136A>T on transcript NM_152703.5 (MANE Select); coding-DNA position 1136, A replaced by T.
Protein change: p.Glu379Val; replaces glutamic acid 379 with valine.
Molecular consequence: missense variant.
Genome position (GRCh38, 1-based): chr7:93,134,836, T>A on the plus strand (A>T on the coding strand, the complement: SAMD9L is on the minus strand). VCF-style: chr7-93134836-T-A. GRCh37 (hg19) VCF-style: chr7-92764149-T-A.
Other names: c.1136A>T, p.Glu379Val (NM_001303496.3, NM_001303497.3, NM_001303498.3 and 5 more transcripts); short protein forms E379V.
Identifiers: ClinVar variation 4630141 (VCV004630141.1).
Genomic context (GRCh38, chr7:93,134,836, plus strand): 5'-ACCAGCTTTAGTCCTTCACTCTCCTTCTTCATTGCCTTCATTCCATACTCTTCTTCAGCC[T>A]CTTTTCTAGATGCTACCAGTGACTTTAAATTTTGTAAAAATGCCTTGAAATCTACATCCC-3'
Protein context (NP_689916.2, residues 369-389): NLKSLVASRK[Glu379Val]AEEEYGMKAM

ClinVar aggregate classification (germline): Uncertain significance (1 of 4 stars; one submission).

Conditions:
Inborn genetic diseases. Identifiers: MedGen C0950123, MeSH D030342.

Submission:

Ambry Genetics
Classification: Uncertain significance for Inborn genetic diseases. Last evaluated: 2025-11-25. Review status: criteria provided, single submitter. Criteria: Ambry Variant Classification Scheme 2023. Collection method: clinical testing. Allele origin: germline.
Comment: The p.E379V variant (also known as c.1136A>T), located in coding exon 1 of the SAMD9L gene, results from an A to T substitution at nucleotide position 1136. The glutamic acid at codon 379 is replaced by valine, an amino acid with dissimilar properties. This amino acid position is conserved. In addition, this alteration is predicted to be tolerated by in silico analysis. Based on the available evidence, the clinical significance of this variant remains unclear.